The following is an entry in ClinVar:

NC_000005.9:g.(?_127666245)_(127668746_?)del

Gene: FBN2 (fibrillin 2; minus strand). Cytogenetic location: 5q23.3.
Variant type: Deletion.
Identifiers: ClinVar variation 1349684 (VCV001349684.7).

ClinVar aggregate classification (germline): Likely pathogenic (1 of 4 stars; one submission).

Conditions:
Congenital contractural arachnodactyly (CCA). Also called: Arthrogryposis, distal, type 9; BEALS SYNDROME; Beals-Hecht syndrome. Identifiers: Orphanet 115, MedGen C0220668, MONDO:0007363, OMIM 121050.

Submission:

Labcorp Genetics (formerly Invitae), Labcorp
Classification: Likely pathogenic for Congenital contractural arachnodactyly. Last evaluated: 2022-08-30. Review status: criteria provided, single submitter. Criteria: Invitae Variant Classification Sherloc (09022015). Collection method: clinical testing. Allele origin: germline.
Comment: In summary, the currently available evidence indicates that the variant is pathogenic, but additional data are needed to prove that conclusively. Therefore, this variant has been classified as Likely Pathogenic. This variant affects a cysteine residue located within an epidermal growth factor (EGF)‚Äìlike domain of the FBN2 protein. Cysteine residues in these domains are involved in the formation of disulfide bridges critical for protein structure and stability (PMID: 3495735, 4750422, 16677079). In addition, missense substitutions within the FBN2 EGF-like domains affecting cysteine residues are overrepresented in patients with congenital contractural arachnodactyly (PMID: 18767143). This variant has not been reported in the literature in individuals affected with FBN2-related conditions. This variant is a gross deletion of the genomic region encompassing exon(s) 32-33 of the FBN2 gene. This variant would be expected to be in-frame, preserving the integrity of the reading frame.

Literature cited by the submitters: PubMed 3495735; PubMed 4750422; PubMed 16677079; PubMed 18767143.